The following is an entry in ClinVar:

NM_017654.4(SAMD9):c.3627A>T (p.Gln1209His)

Gene: SAMD9 (sterile alpha motif domain containing 9; minus strand). Cytogenetic location: 7q21.2.
Variant type: single nucleotide variant.
Coding change: c.3627A>T on transcript NM_017654.4 (MANE Select); coding-DNA position 3627, A replaced by T.
Protein change: p.Gln1209His; replaces glutamine 1209 with histidine.
Molecular consequence: missense variant.
Genome position (GRCh38, 1-based): chr7:93,102,471, T>A on the plus strand (A>T on the coding strand, the complement: SAMD9 is on the minus strand). VCF-style: chr7-93102471-T-A. GRCh37 (hg19) VCF-style: chr7-92731784-T-A.
Other names: c.3627A>T, p.Gln1209His (NM_001193307.2); short protein forms Q1209H.
Identifiers: ClinVar variation 4863861 (VCV004863861.1).

ClinVar aggregate classification (germline): Uncertain significance (1 of 4 stars; one submission).

Conditions:
Inborn genetic diseases. Identifiers: MedGen C0950123, MeSH D030342.

Submission:

Ambry Genetics
Classification: Uncertain significance for Inborn genetic diseases. Last evaluated: 2026-05-17. Review status: criteria provided, single submitter. Criteria: Ambry Variant Classification Scheme 2023. Collection method: clinical testing. Allele origin: germline.
Comment: The p.Q1209H variant (also known as c.3627A>T), located in coding exon 1 of the SAMD9 gene, results from an A to T substitution at nucleotide position 3627. The glutamine at codon 1209 is replaced by histidine, an amino acid with highly similar properties. This amino acid position is conserved. In addition, this alteration is predicted to be tolerated by in silico analysis. Based on the available evidence, the clinical significance of this variant remains unclear.